The following is an entry in ClinVar:

NM_152564.5(VPS13B):c.10555T>G (p.Leu3519Val)

Gene: VPS13B (vacuolar protein sorting 13 homolog B; plus strand). Cytogenetic location: 8q22.2.
Variant type: single nucleotide variant.
Coding change: c.10555T>G on transcript NM_152564.5 (MANE Select); coding-DNA position 10555, T replaced by G.
Protein change: p.Leu3519Val; replaces leucine 3519 with valine.
Molecular consequence: missense variant.
Genome position (GRCh38, 1-based): chr8:99,853,944, T>G. VCF-style: chr8-99853944-T-G. GRCh37 (hg19) VCF-style: chr8-100866172-T-G.
Other names: c.10630T>G, p.Leu3544Val (NM_017890.5); short protein forms L3519V, L3544V.
Identifiers: ClinVar variation 1413627 (VCV001413627.4), dbSNP rs755371144, ClinGen allele CA4824969.

ClinVar aggregate classification (germline): Uncertain significance (1 of 4 stars; one submission).

Conditions:
Cohen syndrome (COH1). Also called: PEPPER SYNDROME; Cutis verticis gyrata, retinitis pigmentosa, and sensorineural deafness. Identifiers: Orphanet 193, MedGen C0265223, MONDO:0008999, OMIM 216550.

Allele frequency attached by ClinVar (database versions not stated): gnomAD exomes below 0.00001 and 0.00001; TOPMed below 0.00001; ExAC 0.00001.
gnomAD v4.1: 14 of 1,614,228 alleles (0.00087%); highest among the groups gnomAD compares: Non-Finnish European, 0.0012%; no homozygotes.

Submission:

Labcorp Genetics (formerly Invitae), Labcorp
Classification: Uncertain significance for Cohen syndrome. Last evaluated: 2024-11-16. Review status: criteria provided, single submitter. Criteria: Invitae Variant Classification Sherloc (09022015). Collection method: clinical testing. Allele origin: germline.
Comment: This sequence change replaces leucine, which is neutral and non-polar, with valine, which is neutral and non-polar, at codon 3544 of the VPS13B protein (p.Leu3544Val). This variant is present in population databases (rs755371144, gnomAD 0.0009%). This variant has not been reported in the literature in individuals affected with VPS13B-related conditions. ClinVar contains an entry for this variant (Variation ID: 1413627). Invitae Evidence Modeling of protein sequence and biophysical properties (such as structural, functional, and spatial information, amino acid conservation, physicochemical variation, residue mobility, and thermodynamic stability) indicates that this missense variant is expected to disrupt VPS13B protein function with a positive predictive value of 80%. In summary, the available evidence is currently insufficient to determine the role of this variant in disease. Therefore, it has been classified as a Variant of Uncertain Significance.